The following is an entry in ClinVar:

ClinVar aggregate classification (germline): Likely benign. Review status: criteria provided, multiple submitters, no conflicts (2 of 4 stars). 2 submissions from 2 submitters: Likely benign (2). Last evaluated 2025-10-29.

Allele frequency attached by ClinVar (database versions not stated): gnomAD 0.00008; TOPMed 0.00010; gnomAD exomes 0.00014; ExAC 0.00016.
gnomAD v4.1: 208 of 1,571,102 alleles (0.013%); highest among the groups gnomAD compares: Middle Eastern, 0.017%; no homozygotes.

Submissions (2):

Labcorp Genetics (formerly Invitae), Labcorp
Classification: Likely benign. Last evaluated: 2025-10-29. Review status: criteria provided, single submitter. Criteria: Invitae Variant Classification Sherloc (09022015). Collection method: clinical testing. Allele origin: germline.

CeGaT Center for Human Genetics Tuebingen
Classification: Likely benign. Last evaluated: 2025-08-01. Review status: criteria provided, single submitter. Criteria: CeGaT Center For Human Genetics Tuebingen Variant Classification Criteria Version 2. Collection method: clinical testing. Allele origin: germline. Affected: yes. Observed: 8 variant alleles.
Comment: TRIM28: BP4, BP7

NM_005762.3(TRIM28):c.1698T>G (p.Pro566=)

Gene: TRIM28 (tripartite motif containing 28; plus strand). Cytogenetic location: 19q13.43.
Variant type: single nucleotide variant.
Coding change: c.1698T>G on transcript NM_005762.3 (MANE Select); coding-DNA position 1698, T replaced by G.
Protein change: p.Pro566=; no amino-acid change (proline 566 retained).
Molecular consequence: synonymous variant.
Genome position (GRCh38, 1-based): chr19:58,549,366, T>G. VCF-style: chr19-58549366-T-G. GRCh37 (hg19) VCF-style: chr19-59060733-T-G.
Identifiers: ClinVar variation 2650600 (VCV002650600.27), dbSNP rs202037782, ClinGen allele CA9719365.